The following is an entry in ClinVar:

NM_001042492.3(NF1):c.7537C>T (p.Gln2513Ter)

Gene: NF1 (neurofibromin 1; plus strand). Cytogenetic location: 17q11.2.
Variant type: single nucleotide variant.
Coding change: c.7537C>T on transcript NM_001042492.3 (MANE Select); coding-DNA position 7537, C replaced by T.
Protein change: p.Gln2513Ter; replaces glutamine 2513 with a stop codon.
Molecular consequence: nonsense.
Genome position (GRCh38, 1-based): chr17:31,352,336, C>T. VCF-style: chr17-31352336-C-T. GRCh37 (hg19) VCF-style: chr17-29679354-C-T.
Other names: c.7474C>T, p.Gln2492Ter (NM_000267.4); short protein forms Q2492*, Q2513*.
Identifiers: ClinVar variation 996485 (VCV000996485.9), dbSNP rs2070170274, ClinGen allele CA399017616.
Genomic context (GRCh38, chr17:31,352,336, plus strand): 5'-CCATGGTCCTCTCCCAAAGGTTCTGAAGGATACCTTGCAGCCACCTATCCAACTGTCGGC[C>T]AGACCAGTCCCCGAGCCAGGAAATCCATGAGCCTGGACATGGGGCAACCTTCTCAGGCCA-3'

ClinVar aggregate classification (germline): Pathogenic/Likely pathogenic. Review status: criteria provided, multiple submitters, no conflicts (2 of 4 stars). 4 submissions from 4 submitters: Pathogenic (3); Likely pathogenic (1). Last evaluated 2026-04-09.

Conditions:
Cardiovascular phenotype. Identifiers: MedGen CN230736.
Hereditary cancer-predisposing syndrome. Also called: Hereditary Cancer Syndrome; Neoplastic Syndromes, Hereditary; Tumor predisposition; Hereditary neoplastic syndrome. Identifiers: Orphanet 140162, MedGen C0027672, MeSH D009386, MONDO:0015356.
Neurofibromatosis, type 1 (NF1). Also called: Peripheral type neurofibromatosis; VON RECKLINGHAUSEN DISEASE; Neurofibromatosis, type I; NEUROFIBROMATOSIS, TYPE I, SOMATIC. Identifiers: Orphanet 636, MedGen C0027831, MONDO:0018975, OMIM 162200. Disease mechanism: loss of function.

Submissions (4):

Ambry Genetics
Classification: Pathogenic for Cardiovascular phenotype; Hereditary cancer-predisposing syndrome. Last evaluated: 2026-04-09. Review status: criteria provided, single submitter. Criteria: Ambry Variant Classification Scheme 2023. Collection method: clinical testing. Allele origin: germline.
Comment: The p.Q2492* pathogenic mutation (also known as c.7474C>T), located in coding exon 50 of the NF1 gene, results from a C to T substitution at nucleotide position 7474. This changes the amino acid from a glutamine to a stop codon within coding exon 50. This variant was reported as heterozygous in individual(s) with features consistent with Neurofibromatosis type 1 (Ambry internal data). This variant is considered to be rare based on population cohorts in the Genome Aggregation Database (gnomAD). This variant is expected to result in loss of function by premature protein truncation or nonsense-mediated mRNA decay. As such, this variant is interpreted as a disease-causing mutation.

Medical and Scientific Branch, Hong Kong Genome Institute
Classification: Pathogenic for Neurofibromatosis, type 1. Last evaluated: 2025-10-11. Review status: criteria provided, single submitter. Criteria: ACMG Guidelines, 2015. Collection method: clinical testing. Allele origin: de novo. Affected: yes.

Labcorp Genetics (formerly Invitae), Labcorp
Classification: Pathogenic for Neurofibromatosis, type 1. Last evaluated: 2024-04-15. Review status: criteria provided, single submitter. Criteria: Invitae Variant Classification Sherloc (09022015). Collection method: clinical testing. Allele origin: germline.
Comment: This sequence change creates a premature translational stop signal (p.Gln2492*) in the NF1 gene. It is expected to result in an absent or disrupted protein product. Loss-of-function variants in NF1 are known to be pathogenic (PMID: 10712197, 23913538). This variant is not present in population databases (gnomAD no frequency). This variant has not been reported in the literature in individuals affected with NF1-related conditions. ClinVar contains an entry for this variant (Variation ID: 996485). For these reasons, this variant has been classified as Pathogenic.

Genome Diagnostics Laboratory, The Hospital for Sick Children
Classification: Likely pathogenic for Neurofibromatosis, type 1. Last evaluated: 2020-10-26. Review status: criteria provided, single submitter. Criteria: ACMG Guidelines, 2015. Collection method: clinical testing. Allele origin: germline. Affected: yes.

Literature cited by the submitters: PubMed 10712197 (cited by Labcorp Genetics (formerly Invitae), Labcorp); PubMed 23913538 (cited by Labcorp Genetics (formerly Invitae), Labcorp).